The following is an entry in ClinVar:

NM_002025.4(AFF2):c.3446C>T (p.Ser1149Leu)

Gene: AFF2 (ALF transcription elongation factor 2; plus strand). Cytogenetic location: Xq28.
Variant type: single nucleotide variant.
Coding change: c.3446C>T on transcript NM_002025.4 (MANE Select); coding-DNA position 3446, C replaced by T.
Protein change: p.Ser1149Leu; replaces serine 1149 with leucine.
Molecular consequence: missense variant.
Genome position (GRCh38, 1-based): chrX:148,977,974, C>T. VCF-style: chrX-148977974-C-T. GRCh37 (hg19) VCF-style: chrX-148059504-C-T.
Other names: c.3341C>T, p.Ser1114Leu (NM_001169122.2, NM_001169124.2); c.3416C>T, p.Ser1139Leu (NM_001169123.2); c.3329C>T, p.Ser1110Leu (NM_001169125.2); c.2369C>T, p.Ser790Leu (NM_001170628.1); short protein forms S1114L, S1110L, S1149L, S1139L, S790L.
Identifiers: ClinVar variation 5009381 (VCV005009381.1).

ClinVar aggregate classification (germline): Uncertain significance (1 of 4 stars; one submission).

gnomAD v4.1: 1 of 1,204,444 alleles (0.000083%); highest among the groups gnomAD compares: Non-Finnish European, 0.00011%; no homozygotes.

Submission:

GeneDx
Classification: Uncertain significance. Last evaluated: 2026-03-18. Review status: criteria provided, single submitter. Criteria: GeneDx Variant Classification Process June 2021. Collection method: clinical testing. Allele origin: germline.
Comment: Not observed at significant frequency in large population cohorts (gnomAD); In silico analysis supports that this missense variant has a deleterious effect on protein structure/function; Has not been previously published as pathogenic or benign to our knowledge